The following is an entry in ClinVar:

ClinVar aggregate classification (germline): Uncertain significance. Review status: criteria provided, multiple submitters, no conflicts (2 of 4 stars). 3 submissions from 2 submitters: Uncertain significance (3). Last evaluated 2024-12-16.

Conditions:
Normophosphatemic familial tumoral calcinosis. Also called: CALCINOSIS, TUMORAL, WITH NORMOPHOSPHATEMIA. Identifiers: Orphanet 306658, Orphanet 53715, MedGen C1864861, MONDO:0012502, OMIM 610455.
Inborn genetic diseases. Identifiers: MedGen C0950123, MeSH D030342.
MIRAGE syndrome. Also called: MYELODYSPLASIA, INFECTION, RESTRICTION OF GROWTH, ADRENAL HYPOPLASIA, GENITAL PHENOTYPES, AND ENTEROPATHY. Identifiers: Orphanet 494433, MedGen C4284088, MONDO:0014888, OMIM 617053.

Allele frequency attached by ClinVar (database versions not stated): gnomAD exomes below 0.00001; ExAC 0.00001.

Submissions (3):

Ambry Genetics
Classification: Uncertain significance for Inborn genetic diseases. Last evaluated: 2024-12-16. Review status: criteria provided, single submitter. Criteria: Ambry Variant Classification Scheme 2023. Collection method: clinical testing. Allele origin: germline.
Comment: The p.I733T variant (also known as c.2198T>C), located in coding exon 1 of the SAMD9 gene, results from a T to C substitution at nucleotide position 2198. The isoleucine at codon 733 is replaced by threonine, an amino acid with similar properties. This amino acid position is conserved. In addition, the in silico prediction for this alteration is inconclusive. Based on the available evidence, the clinical significance of this variant remains unclear.

Genomic Research Center, Shahid Beheshti University of Medical Sciences
Classification: Uncertain significance for Mirage syndrome. Last evaluated: 2019-01-01. Review status: criteria provided, single submitter. Criteria: ACMG Guidelines, 2015. Collection method: clinical testing. Allele origin: unknown. Affected: yes. Observed: 1 variant allele.

Genomic Research Center, Shahid Beheshti University of Medical Sciences
Classification: Uncertain significance for Tumoral calcinosis, familial, normophosphatemic. Last evaluated: 2019-01-01. Review status: criteria provided, single submitter. Criteria: ACMG Guidelines, 2015. Collection method: clinical testing. Allele origin: unknown. Affected: yes. Observed: 1 variant allele.

NM_017654.4(SAMD9):c.2198T>C (p.Ile733Thr)

Gene: SAMD9 (sterile alpha motif domain containing 9; minus strand). Cytogenetic location: 7q21.2.
Variant type: single nucleotide variant.
Coding change: c.2198T>C on transcript NM_017654.4 (MANE Select); coding-DNA position 2198, T replaced by C.
Protein change: p.Ile733Thr; replaces isoleucine 733 with threonine.
Molecular consequence: missense variant.
Genome position (GRCh38, 1-based): chr7:93,103,900, A>G on the plus strand (T>C on the coding strand, the complement: SAMD9 is on the minus strand). VCF-style: chr7-93103900-A-G. GRCh37 (hg19) VCF-style: chr7-92733213-A-G.
Other names: c.2198T>C, p.Ile733Thr (NM_001193307.2); c.2198T>C (NM_017654.3); short protein forms I733T.
Identifiers: ClinVar variation 634460 (VCV000634460.5), dbSNP rs778749748, ClinGen allele CA4342876.